The following is an entry in ClinVar:

NM_001039141.3(TRIOBP):c.647G>A (p.Arg216Gln)

Gene: TRIOBP (TRIO and F-actin binding protein; plus strand). Cytogenetic location: 22q13.1.
Variant type: single nucleotide variant.
Coding change: c.647G>A on transcript NM_001039141.3 (MANE Select); coding-DNA position 647, G replaced by A.
Protein change: p.Arg216Gln; replaces arginine 216 with glutamine.
Molecular consequence: missense variant.
Genome position (GRCh38, 1-based): chr22:37,723,203, G>A. VCF-style: chr22-37723203-G-A. GRCh37 (hg19) VCF-style: chr22-38119210-G-A.
Other names: c.647G>A (NM_001039141.2); short protein forms R216Q.
Identifiers: ClinVar variation 2072665 (VCV002072665.2), dbSNP rs745717499, ClinGen allele CA10223420.
Genomic context (GRCh38, chr22:37,723,203, plus strand): 5'-GGACCTCTCCCCTTACCTTGAGCCCCTCTCTTCTCTCTCCAGACACCGGCGGTGGGGGCC[G>A]GAGCGCAGGACAGCACTGGGCAAGGCTCCGGGGAGAAAGCGGGTTGTCCCTGGAGCGGCA-3'
Protein context (NP_001034230.1, residues 206-226): QKKEDTGGGG[Arg216Gln]SAGQHWARLR

ClinVar aggregate classification (germline): Uncertain significance. Review status: criteria provided, multiple submitters, no conflicts (2 of 4 stars). 2 submissions from 2 submitters: Uncertain significance (2). Last evaluated 2025-04-17.

Allele frequency attached by ClinVar (database versions not stated): gnomAD 0.00003; gnomAD exomes 0.00004; TOPMed 0.00010; ExAC 0.00018.
gnomAD v4.1: 67 of 1,613,642 alleles (0.0042%); highest among the groups gnomAD compares: Admixed American, 0.06%; no homozygotes.

Submissions (2):

GeneDx
Classification: Uncertain significance. Last evaluated: 2025-04-17. Review status: criteria provided, single submitter. Criteria: GeneDx Variant Classification Process June 2021. Collection method: clinical testing. Allele origin: germline. Affected: yes.
Comment: In silico analysis indicates that this missense variant does not alter protein structure/function; Has not been previously published as pathogenic or benign to our knowledge

Labcorp Genetics (formerly Invitae), Labcorp
Classification: Uncertain significance. Last evaluated: 2022-01-18. Review status: criteria provided, single submitter. Criteria: Invitae Variant Classification Sherloc (09022015). Collection method: clinical testing. Allele origin: germline.
Comment: This sequence change replaces arginine, which is basic and polar, with glutamine, which is neutral and polar, at codon 216 of the TRIOBP protein (p.Arg216Gln). This variant is present in population databases (rs745717499, gnomAD 0.09%). This variant has not been reported in the literature in individuals affected with TRIOBP-related conditions. Algorithms developed to predict the effect of missense changes on protein structure and function output the following: SIFT: "Tolerated"; PolyPhen-2: "Benign"; Align-GVGD: "Class C0". The glutamine amino acid residue is found in multiple mammalian species, which suggests that this missense change does not adversely affect protein function. In summary, the available evidence is currently insufficient to determine the role of this variant in disease. Therefore, it has been classified as a Variant of Uncertain Significance.